The following is an entry in ClinVar:

ClinVar aggregate classification (germline): Conflicting classifications of pathogenicity. Review status: criteria provided, conflicting classifications (1 of 4 stars). 19 submissions from 15 submitters: Uncertain significance (3); Benign (3); Likely benign (8). 5 of the submissions do not count toward it. Last evaluated 2026-08-01.

Conditions:
Cardiovascular phenotype. Identifiers: MedGen CN230736.
Dilated cardiomyopathy 1G (CMD1G). Identifiers: Orphanet 154, MedGen C1858763, MONDO:0011400, OMIM 604145.
Autosomal recessive limb-girdle muscular dystrophy type 2J (LGMDR10). Also called: Limb-girdle muscular dystrophy, type 2J; MUSCULAR DYSTROPHY, LIMB-GIRDLE, AUTOSOMAL RECESSIVE 10. Identifiers: Orphanet 140922, MedGen C1837342, MONDO:0012127, OMIM 608807.
Cardiomyopathy (CMYO). Also called: Cardiomyopathies. Identifiers: Orphanet 167848, MedGen C0878544, MONDO:0004994, HP:0001638. Inheritance: Various modes of inheritance.
Early-onset myopathy with fatal cardiomyopathy (CMYO5). Also called: Salih Myopathy; CONGENITAL MYOPATHY 5 WITH CARDIOMYOPATHY. Identifiers: Orphanet 289377, MedGen C2673677, MONDO:0012714, OMIM 611705. Disease mechanism: loss of function.
Myopathy, myofibrillar, 9, with early respiratory failure (MFM9). Also called: Hereditary myopathy with early respiratory failure; MYOPATHY, PROXIMAL, WITH EARLY RESPIRATORY MUSCLE INVOLVEMENT; Myopathy, distal, with early respiratory failure, autosomal dominant; EDSTROM MYOPATHY. Identifiers: Orphanet 178464, Orphanet 34521, MedGen C1863599, MONDO:0011362, OMIM 603689.
Tibial muscular dystrophy (TMD). Also called: UDD MYOPATHY; Tibial muscular dystrophy, tardive; Udd Distal Myopathy – Tibial Muscular Dystrophy. Identifiers: Orphanet 609, MedGen C1838244, MONDO:0010870, OMIM 600334.

Allele frequency attached by ClinVar (database versions not stated): gnomAD 0.00026 and 0.00030; ExAC 0.00055; ESP Exome Variant Server 0.00016; TOPMed 0.00025; gnomAD exomes 0.00039 and 0.00042; 1000 Genomes Project 30x 0.00016; 1000 Genomes Project 0.00020.

Submissions (19):

CeGaT Center for Human Genetics Tuebingen
Classification: Likely benign. Last evaluated: 2026-08-01. Review status: criteria provided, single submitter. Criteria: CeGaT Center For Human Genetics Tuebingen Variant Classification Criteria Version 2. Collection method: clinical testing. Allele origin: germline. Affected: yes. Observed: 18 variant alleles.
Comment: TTN: BP4, BP7

Labcorp Genetics (formerly Invitae), Labcorp
Classification: Likely benign for Dilated cardiomyopathy 1G; Autosomal recessive limb-girdle muscular dystrophy type 2J. Last evaluated: 2026-02-03. Review status: criteria provided, single submitter. Criteria: Invitae Variant Classification Sherloc (09022015). Collection method: clinical testing. Allele origin: germline.

Molecular Diagnostic Laboratory for Inherited Cardiovascular Disease, Montreal Heart Institute
Classification: Likely benign. Last evaluated: 2025-04-09. Review status: criteria provided, single submitter. Criteria: ACMG Guidelines, 2015. Collection method: clinical testing. Allele origin: germline. Affected: no.

Blueprint Genetics
Classification: Likely benign. Last evaluated: 2024-11-21. Review status: criteria provided, single submitter. Criteria: ACMG Guidelines, 2015. Collection method: clinical testing. Allele origin: germline.

CHEO Genetics Diagnostic Laboratory, Children's Hospital of Eastern Ontario
Classification: Likely benign for Cardiomyopathy. Last evaluated: 2023-06-23. Review status: criteria provided, single submitter. Criteria: ACMG Guidelines, 2015. Collection method: clinical testing. Allele origin: germline.

Illumina Laboratory Services, Illumina
Classification: Uncertain significance for Autosomal recessive limb-girdle muscular dystrophy type 2J. Last evaluated: 2018-01-13. Review status: criteria provided, single submitter. Criteria: ICSL Variant Classification Criteria 13 December 2019. Collection method: clinical testing. Allele origin: germline.

Illumina Laboratory Services, Illumina
Classification: Benign for Myopathy, myofibrillar, 9, with early respiratory failure. Last evaluated: 2018-01-13. Review status: criteria provided, single submitter. Criteria: ICSL Variant Classification Criteria 13 December 2019. Collection method: clinical testing. Allele origin: germline.
Comment: This variant was observed in the ICSL laboratory as part of a predisposition screen in an ostensibly healthy population. It had not been previously curated by ICSL or reported in the Human Gene Mutation Database (HGMD: prior to June 1st, 2018), and was therefore a candidate for classification through an automated scoring system. Utilizing variant allele frequency, disease prevalence and penetrance estimates, and inheritance mode, an automated score was calculated to assess if this variant is too frequent to cause the disease. Based on the score and internal cut-off values, a variant classified as benign is not then subjected to further curation. The score for this variant resulted in a classification of benign for this disease.

Illumina Laboratory Services, Illumina
Classification: Uncertain significance for Dilated cardiomyopathy 1G. Last evaluated: 2018-01-13. Review status: criteria provided, single submitter. Criteria: ICSL Variant Classification Criteria 13 December 2019. Collection method: clinical testing. Allele origin: germline.

Illumina Laboratory Services, Illumina
Classification: Uncertain significance for Early-onset myopathy with fatal cardiomyopathy. Last evaluated: 2018-01-13. Review status: criteria provided, single submitter. Criteria: ICSL Variant Classification Criteria 13 December 2019. Collection method: clinical testing. Allele origin: germline.

Illumina Laboratory Services, Illumina
Classification: Benign for Tibial muscular dystrophy. Last evaluated: 2018-01-13. Review status: criteria provided, single submitter. Criteria: ICSL Variant Classification Criteria 13 December 2019. Collection method: clinical testing. Allele origin: germline.
Comment: the same text as in the submission from Illumina Laboratory Services, Illumina above.

Eurofins Ntd Llc (ga)
Classification: Likely benign. Last evaluated: 2015-04-14. Review status: criteria provided, single submitter. Criteria: EGL Classification Definitions 2015. Collection method: clinical testing. Allele origin: germline. Observed: 2 variant alleles, 2 heterozygotes.

GeneDx
Classification: Benign. Last evaluated: 2014-05-19. Review status: criteria provided, single submitter. Criteria: GeneDx Variant Classification (06012015). Collection method: clinical testing. Allele origin: germline. Affected: yes.
Comment: This variant is considered likely benign or benign based on one or more of the following criteria: it is a conservative change, it occurs at a poorly conserved position in the protein, it is predicted to be benign by multiple in silico algorithms, and/or has population frequency not consistent with disease.

Ambry Genetics
Classification: Likely benign for Cardiovascular phenotype. Last evaluated: 2013-10-28. Review status: criteria provided, single submitter. Criteria: Ambry Autosomal Dominant and X-Linked criteria (10/2015). Collection method: clinical testing. Allele origin: germline. Observed: 1 variant allele.

Laboratory for Molecular Medicine, Mass General Brigham Personalized Medicine
Classification: Likely benign. Last evaluated: 2012-03-19. Review status: criteria provided, single submitter. Criteria: LMM Criteria. Collection method: clinical testing. Allele origin: germline. Observed: 1 variant allele.
Comment: Pro30396Pro in exon 302 of TTN: This variant is not expected to have clinical si gnificance because it does not alter an amino acid residue and is not located wi thin the splice consensus sequence. It has been identified in 1/6872 European Am erican chromosomes from a broad population by the NHLBI Exome Sequencing Project. Pro30396Pro in exon 302 of TTN (allele fre quency = 1/6872) **

Clinical Genetics DNA and cytogenetics Diagnostics Lab, Erasmus MC, Erasmus Medical Center
Classification: Likely benign. Review status: no assertion criteria provided. Collection method: clinical testing. Allele origin: germline. Affected: yes. Study: VKGL Data-share Consensus. Not counted in ClinVar's aggregate classification.

Clinical Genetics, Academic Medical Center
Classification: Benign. Review status: no assertion criteria provided. Collection method: clinical testing. Allele origin: germline. Affected: yes. Study: VKGL Data-share Consensus. Not counted in ClinVar's aggregate classification.

Diagnostic Laboratory, Department of Genetics, University Medical Center Groningen
Classification: Likely benign. Review status: no assertion criteria provided. Collection method: clinical testing. Allele origin: germline. Affected: yes. Study: VKGL Data-share Consensus. Not counted in ClinVar's aggregate classification.

Genome Diagnostics Laboratory, University Medical Center Utrecht
Classification: Likely benign. Review status: no assertion criteria provided. Collection method: clinical testing. Allele origin: germline. Affected: yes. Study: VKGL Data-share Consensus. Not counted in ClinVar's aggregate classification.

Joint Genome Diagnostic Labs from Nijmegen and Maastricht, Radboudumc and MUMC+
Classification: Likely benign. Review status: no assertion criteria provided. Collection method: clinical testing. Allele origin: germline. Affected: yes. Study: VKGL Data-share Consensus. Not counted in ClinVar's aggregate classification.

NM_001267550.2(TTN):c.98892C>T (p.Pro32964=)

Genes: TTN-AS1 (TTN antisense RNA 1; plus strand), TTN (titin; minus strand). Cytogenetic location: 2q31.2.
Variant type: single nucleotide variant.
Coding change: c.98892C>T on transcript NM_001267550.2 (MANE Select); coding-DNA position 98892, C replaced by T.
Protein change: p.Pro32964=; no amino-acid change (proline 32964 retained).
Molecular consequence: synonymous variant. On other transcripts: non-coding transcript variant (1).
Genome position (GRCh38, 1-based): chr2:178,539,043, G>A on the plus strand (C>T on the coding strand, the complement: TTN is on the minus strand). VCF-style: chr2-178539043-G-A. GRCh37 (hg19) VCF-style: chr2-179403770-G-A.
Other names: p.P31323P:CCC>CCT; c.71697C>T, p.Pro23899= (NM_003319.4); c.91188C>T, p.Pro30396= (NM_133378.4); c.72072C>T, p.Pro24024= (NM_133432.3); c.72273C>T, p.Pro24091= (NM_133437.4); c.93969C>T, p.Pro31323= (NM_001256850.1).
Identifiers: ClinVar variation 137817 (VCV000137817.65), dbSNP rs374081262, ClinGen allele CA295730.